The following is an entry in ClinVar:

ClinVar aggregate classification (germline): Pathogenic (1 of 4 stars; one submission).

Submission:

Labcorp Genetics (formerly Invitae), Labcorp
Classification: Pathogenic. Last evaluated: 2021-04-02. Review status: criteria provided, single submitter. Criteria: Invitae Variant Classification Sherloc (09022015). Collection method: clinical testing. Allele origin: germline.
Comment: For these reasons, this variant has been classified as Pathogenic. Algorithms developed to predict the effect of sequence changes on RNA splicing suggest that this variant may disrupt the consensus splice site, but this prediction has not been confirmed by published transcriptional studies. This variant has not been reported in the literature in individuals with CTNNB1-related conditions. This variant is not present in population databases (ExAC no frequency). This sequence change creates a premature translational stop signal (p.Glu396Lysfs*19) in the CTNNB1 gene. It is expected to result in an absent or disrupted protein product. Loss-of-function variants in CTNNB1 are known to be pathogenic (PMID: 23033978, 24614104, 25326669, 26350204, 28575650).

Literature cited by the submitters: PubMed 23033978; PubMed 24614104; PubMed 25326669; PubMed 26350204; PubMed 28575650.

NC_000003.12:g.41233529del

Genes: CTNNB1 (catenin beta 1; plus strand), LOC126806659 (BRD4-independent group 4 enhancer GRCh37_chr3:41274918-41276117; plus strand). Cytogenetic location: 3p22.1.
Variant type: Deletion.
Genome position: GRCh38 VCF-style: chr3-41233527-AG-A. GRCh37 (hg19) VCF-style: chr3-41275018-AG-A.
Identifiers: ClinVar variation 1388940 (VCV001388940.7), dbSNP rs2125638582, ClinGen allele CA2573136937.